The following is an entry in ClinVar:

NM_033028.5(BBS4):c.1463C>A (p.Thr488Lys)

Gene: BBS4 (Bardet-Biedl syndrome 4; plus strand). Cytogenetic location: 15q24.1.
Variant type: single nucleotide variant.
Coding change: c.1463C>A on transcript NM_033028.5 (MANE Select); coding-DNA position 1463, C replaced by A.
Protein change: p.Thr488Lys; replaces threonine 488 with lysine.
Molecular consequence: missense variant. On other transcripts: non-coding transcript variant (2).
Genome position (GRCh38, 1-based): chr15:72,737,490, C>A. VCF-style: chr15-72737490-C-A. GRCh37 (hg19) VCF-style: chr15-73029831-C-A.
Other names: c.947C>A, p.Thr316Lys (NM_001252678.2); c.1394C>A, p.Thr465Lys (NM_001320665.2); short protein forms T488K, T316K, T465K.
Identifiers: ClinVar variation 462959 (VCV000462959.12), dbSNP rs561284402, ClinGen allele CA7647054.
Genomic context (GRCh38, chr15:72,737,490, plus strand): 5'-TTCTGAAATTGTGGAACATGAGGATTCAAGTTTTTATTTTGTTACTAGGTGCTGGAGGAA[C>A]ATCCCAGTTCACAAAGCCCCCATCTCTTCCTCTGGAGCCAGAGCCTGCGGTGGAATCAAG-3'
Protein context (NP_149017.2, residues 478-498): YRTLPSGAGG[Thr488Lys]SQFTKPPSLP

ClinVar aggregate classification (germline): Conflicting classifications of pathogenicity. Review status: criteria provided, conflicting classifications (1 of 4 stars). 3 submissions from 3 submitters: Uncertain significance (1); Benign (1); Likely benign (1). Last evaluated 2026-01-24.

Conditions:
Bardet-Biedl syndrome (BBS). Identifiers: Orphanet 110, MedGen C0752166, MONDO:0015229.

Allele frequency attached by ClinVar (database versions not stated): gnomAD below 0.00001 and 0.00012; TOPMed 0.00003; gnomAD exomes 0.00052; 1000 Genomes Project 0.00060; 1000 Genomes Project 30x 0.00062; ExAC 0.00068.
gnomAD v4.1: 365 of 1,612,270 alleles (0.023%); highest among the groups gnomAD compares: South Asian, 0.39%; no homozygotes.

Submissions (3):

Labcorp Genetics (formerly Invitae), Labcorp
Classification: Likely benign for Bardet-Biedl syndrome. Last evaluated: 2026-01-24. Review status: criteria provided, single submitter. Criteria: Invitae Variant Classification Sherloc (09022015). Collection method: clinical testing. Allele origin: germline.

Blueprint Genetics
Classification: Benign. Last evaluated: 2024-09-04. Review status: criteria provided, single submitter. Criteria: ACMG Guidelines, 2015. Collection method: clinical testing. Allele origin: germline.

GeneDx
Classification: Uncertain significance. Last evaluated: 2019-09-20. Review status: criteria provided, single submitter. Criteria: GeneDx Variant Classification Process June 2021. Collection method: clinical testing. Allele origin: germline. Affected: yes.
Comment: In silico analysis, which includes protein predictors and evolutionary conservation, supports that this variant does not alter protein structure/function; Has not been previously published as pathogenic or benign to our knowledge